The following is an entry in ClinVar:

NM_001458.5(FLNC):c.4634G>T (p.Ser1545Ile)

Gene: FLNC (filamin C; plus strand). Cytogenetic location: 7q32.1.
Variant type: single nucleotide variant.
Coding change: c.4634G>T on transcript NM_001458.5 (MANE Select); coding-DNA position 4634, G replaced by T.
Protein change: p.Ser1545Ile; replaces serine 1545 with isoleucine.
Molecular consequence: missense variant.
Genome position (GRCh38, 1-based): chr7:128,848,614, G>T. VCF-style: chr7-128848614-G-T. GRCh37 (hg19) VCF-style: chr7-128488668-G-T.
Other names: c.4634G>T, p.Ser1545Ile (NM_001127487.2); short protein forms S1545I.
Identifiers: ClinVar variation 1497771 (VCV001497771.8), dbSNP rs2128937535, ClinGen allele CA369202184.

ClinVar aggregate classification (germline): Uncertain significance (1 of 4 stars; one submission).

Conditions:
Myofibrillar myopathy 5. Also called: Filaminopathy (type); FILAMINOPATHY, AUTOSOMAL DOMINANT. Identifiers: Orphanet 171445, MedGen C1836050, MONDO:0012289, OMIM 609524.
Distal myopathy with posterior leg and anterior hand involvement. Also called: WILLIAMS DISTAL MYOPATHY. Identifiers: Orphanet 63273, MedGen C3279722, MONDO:0013550, OMIM 614065.
Hypertrophic cardiomyopathy 26. Also called: Cardiomyopathy, familial hypertrophic, 26. Identifiers: Orphanet 75249, MedGen C4310749, MONDO:0014883, OMIM 617047.

Submission:

Labcorp Genetics (formerly Invitae), Labcorp
Classification: Uncertain significance for Distal myopathy with posterior leg and anterior hand involvement; Myofibrillar myopathy 5; Hypertrophic cardiomyopathy 26. Last evaluated: 2025-10-22. Review status: criteria provided, single submitter. Criteria: Invitae Variant Classification Sherloc (09022015). Collection method: clinical testing. Allele origin: germline.
Comment: This sequence change replaces serine, which is neutral and polar, with isoleucine, which is neutral and non-polar, at codon 1545 of the FLNC protein (p.Ser1545Ile). This variant is not present in population databases (gnomAD no frequency). This variant has not been reported in the literature in individuals affected with FLNC-related conditions. ClinVar contains an entry for this variant (Variation ID: 1497771). Invitae Evidence Modeling of protein sequence and biophysical properties (such as structural, functional, and spatial information, amino acid conservation, physicochemical variation, residue mobility, and thermodynamic stability) has been performed for this missense variant. However, the output from this modeling did not meet the statistical confidence thresholds required to predict the impact of this variant on FLNC protein function. In summary, the available evidence is currently insufficient to determine the role of this variant in disease. Therefore, it has been classified as a Variant of Uncertain Significance.